The following is an entry in ClinVar:

ClinVar aggregate classification (germline): Likely pathogenic (1 of 4 stars; one submission).

Conditions:
Hereditary cancer-predisposing syndrome. Also called: Neoplastic Syndromes, Hereditary; Tumor predisposition; Hereditary neoplastic syndrome; Hereditary Cancer Syndrome. Identifiers: Orphanet 140162, MedGen C0027672, MeSH D009386, MONDO:0015356.

Submission:

Ambry Genetics
Classification: Likely pathogenic for Hereditary cancer-predisposing syndrome. Last evaluated: 2026-07-06. Review status: criteria provided, single submitter. Criteria: Ambry Variant Classification Scheme 2023. Collection method: clinical testing. Allele origin: germline.
Comment: The c.998-60_1000del63 variant results from a deletion of 63 nucleotides at positions c.998-60 to c.1000 and involves the canonical splice acceptor site before coding exon 12 of the MUTYH gene. The canonical splice acceptor site is highly conserved in available vertebrate species. Variants that disrupt the canonical splice site are expected to result in aberrant splicing. In silico splice site analysis predicts that this alteration will weaken the native splice acceptor site and may result in the creation or strengthening of a novel splice acceptor site. A resulting transcript is predicted to be in-frame and is not expected to trigger nonsense-mediated mRNAdecay; although, direct evidence is unavailable. However, a significant portion of the protein is predicted to be impacted and the region predicted to be impacted is critical for protein function (Ambry internal data). This variant is considered to be rare based on population cohorts in the Genome Aggregation Database (gnomAD). Based on the majority of available evidence to date, this variant is likely to be pathogenic.

NM_001048174.2(MUTYH):c.914-60_916del

Gene: MUTYH (mutY DNA glycosylase; minus strand). Cytogenetic location: 1p34.1.
Variant type: Deletion.
Coding change: c.914-60_916del on transcript NM_001048174.2 (MANE Select); 60 bases into the intron before coding-DNA position 914 through coding-DNA position 916, 63 bases deleted.
Molecular consequence: splice acceptor variant.
Genome position (GRCh38, 1-based): chr1:45,331,847-45,331,909, 63 bases deleted. GRCh37 (hg19): chr1:45,797,522-45,797,584.
Other names: c.914-60_916del (NM_001407072.1, NM_001407073.1, NM_001048171.2 and 6 more transcripts); c.569-60_571del (NM_001350651.2, NM_001350650.2, NM_001407082.1); c.638-60_640del (NM_001293192.2, NM_001293196.2, NM_001407091.1); c.959-60_961del (NM_001293190.2); c.947-60_949del (NM_001407069.1, NM_001407077.1, NM_001293191.2); c.989-60_991del (NM_012222.3); c.998-60_1000del (NM_001128425.2); c.917-60_919del (NM_001407071.1, NM_001048172.2, NM_001407078.1 and 1 more transcripts); and 5 more.
Identifiers: ClinVar variation 5024990 (VCV005024990.1).